The following is an entry in ClinVar:

NM_001322934.2(NFKB2):c.1097G>A (p.Gly366Asp)

Gene: NFKB2 (nuclear factor kappa B subunit 2; plus strand). Cytogenetic location: 10q24.32.
Variant type: single nucleotide variant.
Coding change: c.1097G>A on transcript NM_001322934.2 (MANE Select); coding-DNA position 1097, G replaced by A.
Protein change: p.Gly366Asp; replaces glycine 366 with aspartic acid.
Molecular consequence: missense variant. On other transcripts: intron variant (1).
Genome position (GRCh38, 1-based): chr10:102,398,844, G>A. VCF-style: chr10-102398844-G-A. GRCh37 (hg19) VCF-style: chr10-104158601-G-A.
Other names: c.1097G>A, p.Gly366Asp (LRG_1347t1, NM_001077494.3, NM_001261403.3 and 2 more transcripts); c.991+321G>A (NM_001322935.1); short protein forms G366D.
Identifiers: ClinVar variation 474773 (VCV000474773.11), dbSNP rs747854969, ClinGen allele CA5664724.

ClinVar aggregate classification (germline): Uncertain significance (1 of 4 stars; one submission).

Conditions:
Immunodeficiency, common variable, 10. Also called: IMMUNODEFICIENCY, COMMON VARIABLE, WITH CENTRAL ADRENAL INSUFFICIENCY; DEFICIT IN ANTERIOR PITUITARY FUNCTION AND VARIABLE IMMUNODEFICIENCY. Identifiers: MedGen C3809991, MONDO:0014260, OMIM 615577.

Allele frequency attached by ClinVar (database versions not stated): TOPMed 0.00003; gnomAD exomes 0.00003; ExAC 0.00003; gnomAD 0.00005.
gnomAD v4.1: 77 of 1,600,604 alleles (0.0048%); highest among the groups gnomAD compares: Non-Finnish European, 0.0064%; no homozygotes.

Submission:

Labcorp Genetics (formerly Invitae), Labcorp
Classification: Uncertain significance for Immunodeficiency, common variable, 10. Last evaluated: 2025-01-29. Review status: criteria provided, single submitter. Criteria: Invitae Variant Classification Sherloc (09022015). Collection method: clinical testing. Allele origin: germline.
Comment: This sequence change replaces glycine, which is neutral and non-polar, with aspartic acid, which is acidic and polar, at codon 366 of the NFKB2 protein (p.Gly366Asp). This variant is present in population databases (rs747854969, gnomAD 0.006%). This missense change has been observed in individual(s) with common variable immunodeficiency (PMID: 34619682). ClinVar contains an entry for this variant (Variation ID: 474773). An algorithm developed to predict the effect of missense changes on protein structure and function (PolyPhen-2) suggests that this variant is likely to be tolerated. In summary, the available evidence is currently insufficient to determine the role of this variant in disease. Therefore, it has been classified as a Variant of Uncertain Significance.

Literature cited by the submitters: PubMed 34619682.